The following is an entry in ClinVar:

NM_001374736.1(DST):c.16771-3del

Gene: DST (dystonin; minus strand). Cytogenetic location: 6p12.1.
Variant type: Deletion.
Coding change: c.16771-3del on transcript NM_001374736.1 (MANE Select); 3 bases into the intron before coding-DNA position 16771, one base deleted (C; older notation c.16771-3delC).
Molecular consequence: intron variant.
Genome position (GRCh38, 1-based): chr6:56,535,295, G deleted on the plus strand (C on the coding strand, the reverse complement: DST is on the minus strand). VCF-style (leftmost placement, unchanged base first): chr6-56535294-TG-T. GRCh37 (hg19) VCF-style: chr6-56400092-TG-T.
Other names: c.10414-3del (NM_001144769.5); c.16771-3del (NM_001374722.1); c.16798-3del (NM_001374734.1); c.10000-3del (NM_001144770.2); c.9880-3del (NM_001374730.1, NM_001386100.1, NM_183380.4); c.16138-3del (NM_001374729.1); c.8902-3del (NM_015548.5).
Identifiers: ClinVar variation 1774089 (VCV001774089.2), dbSNP rs2534943169, ClinGen allele CA2580075559.

ClinVar aggregate classification (germline): Uncertain significance (1 of 4 stars; one submission).

Conditions:
Inborn genetic diseases. Identifiers: MedGen C0950123, MeSH D030342.

Submission:

Ambry Genetics
Classification: Uncertain significance for Inborn genetic diseases. Last evaluated: 2019-12-16. Review status: criteria provided, single submitter. Criteria: Ambry Variant Classification Scheme 2023. Collection method: clinical testing. Allele origin: germline.
Comment: The c.10414-3delC intronic variant, located in intron 56 of the DST gene, results from a deletion of one nucleotide within intron 56 of the DST gene. This nucleotide position is well conserved in available vertebrate species. Using two different splice site prediction tools, this alteration is predicted by BDGP to abolish the native splice acceptor site, but is predicted to weaken (but not abolish) the efficiency of the native splice acceptor site by ESEfinder; however, direct evidence is unavailable. Since supporting evidence is limited at this time, the clinical significance of this alteration remains unclear.